The following is an entry in ClinVar:

ClinVar aggregate classification (germline): Likely benign (1 of 4 stars; one submission).

Conditions:
PKD1-related disorder. Also called: PKD1-related condition.

gnomAD v4.1: 3 of 1,414,922 alleles (0.00021%); highest among the groups gnomAD compares: Admixed American, 0.003%; no homozygotes.

Submission:

PreventionGenetics, part of Exact Sciences
Classification: Likely benign for PKD1-related condition. Last evaluated: 2026-07-15. Review status: criteria provided, single submitter. Criteria: ACMG Guidelines, 2015. Collection method: clinical testing. Allele origin: germline.
Comment: This variant is classified as likely benign based on ACMG/AMP sequence variant interpretation guidelines (Richards et al. 2015 PMID: 25741868, with internal and published modifications).

NM_001009944.3(PKD1):c.11713-7C>A

Gene: PKD1 (polycystin 1, transient receptor potential channel interacting; minus strand). Cytogenetic location: 16p13.3.
Variant type: single nucleotide variant.
Coding change: c.11713-7C>A on transcript NM_001009944.3 (MANE Select); 7 bases into the intron before coding-DNA position 11713, C replaced by A.
Molecular consequence: intron variant.
Genome position (GRCh38, 1-based): chr16:2,091,181, G>T on the plus strand (C>A on the coding strand, the complement: PKD1 is on the minus strand). VCF-style: chr16-2091181-G-T. GRCh37 (hg19) VCF-style: chr16-2141182-G-T.
Other names: c.11710-7C>A (NM_000296.4).
Identifiers: ClinVar variation 4994707 (VCV004994707.1).
Genomic context (GRCh38, chr16:2,091,181, plus strand): 5'-CCAAGTACGGGCCTCGGCCACGGCGAAGTGCACGGCGAACAGCAGCAGGCACACCTGTGG[G>T]GGGCGCGGTCAGGAGGGCGGGAGGGACGCTGCCGGGGCGGGGCCCTGCGAGGGGGCGGGA-3'